The following is an entry in ClinVar:

ClinVar aggregate classification (germline): Benign. Review status: criteria provided, multiple submitters, no conflicts (2 of 4 stars). 3 submissions from 3 submitters: Benign (3). Last evaluated 2024-01-24.

Allele frequency attached by ClinVar (database versions not stated): gnomAD 0.27860 and 0.28428; ESP Exome Variant Server 0.28102; TOPMed 0.28400; gnomAD exomes 0.30473 and 0.31501; 1000 Genomes Project 30x 0.30824; 1000 Genomes Project 0.30990; ExAC 0.31575.
gnomAD v4.1: 478,456 of 1,582,012 alleles (30%); highest among the groups gnomAD compares: South Asian, 41%; 74,226 homozygotes.

Submissions (3):

Unidad de Genómica Garrahan, Hospital de Pediatría Garrahan
Classification: Benign. Last evaluated: 2024-01-24. Review status: criteria provided, single submitter. Criteria: ACMG Guidelines, 2015. Collection method: clinical testing. Allele origin: germline. Affected: no. Observed: 50 variant alleles.
Comment: This variant is classified as Benign based on local population frequency. This variant was detected in 57% of patients studied by a panel of primary immunodeficiencies. Number of patients: 50. Only high quality variants are reported.

GeneDx
Classification: Benign. Last evaluated: 2018-11-11. Review status: criteria provided, single submitter. Criteria: GeneDx Variant Classification Process June 2021. Collection method: clinical testing. Allele origin: germline. Affected: yes.

Breakthrough Genomics
Classification: Benign. Review status: criteria provided, single submitter. Criteria: ACMG Guidelines, 2015. Collection method: not provided. Allele origin: germline. Inheritance: Autosomal recessive inheritance. Affected: yes.

NM_017671.5(FERMT1):c.1264+50G>A

Gene: FERMT1 (FERM domain containing kindlin 1; minus strand). Cytogenetic location: 20p12.3.
Variant type: single nucleotide variant.
Coding change: c.1264+50G>A on transcript NM_017671.5 (MANE Select); 50 bases into the intron after coding-DNA position 1264, G replaced by A.
Molecular consequence: intron variant.
Genome position (GRCh38, 1-based): chr20:6,088,915, C>T on the plus strand (G>A on the coding strand, the complement: FERMT1 is on the minus strand). VCF-style: chr20-6088915-C-T. GRCh37 (hg19) VCF-style: chr20-6069562-C-T.
Identifiers: ClinVar variation 1180299 (VCV001180299.5), dbSNP rs6117076, ClinGen allele CA9758200.